The following is an entry in ClinVar:

NM_001040151.2(SCN3B):c.460A>G (p.Thr154Ala)

Gene: SCN3B (sodium voltage-gated channel beta subunit 3; minus strand). Cytogenetic location: 11q24.1.
Variant type: single nucleotide variant.
Coding change: c.460A>G on transcript NM_001040151.2 (MANE Select); coding-DNA position 460, A replaced by G.
Protein change: p.Thr154Ala; replaces threonine 154 with alanine.
Molecular consequence: missense variant.
Genome position (GRCh38, 1-based): chr11:123,638,310, T>C on the plus strand (A>G on the coding strand, the complement: SCN3B is on the minus strand). VCF-style: chr11-123638310-T-C. GRCh37 (hg19) VCF-style: chr11-123509018-T-C.
Other names: c.460A>G, p.Thr154Ala (NM_018400.4); short protein forms T154A.
Identifiers: ClinVar variation 3607291 (VCV003607291.2).

ClinVar aggregate classification (germline): Uncertain significance (1 of 4 stars; one submission).

Conditions:
Brugada syndrome 7 (BRGDA7). Identifiers: Orphanet 130, MedGen C2751088, MONDO:0013146, OMIM 613120.

Submission:

Labcorp Genetics (formerly Invitae), Labcorp
Classification: Uncertain significance for Brugada syndrome 7. Last evaluated: 2024-05-13. Review status: criteria provided, single submitter. Criteria: Invitae Variant Classification Sherloc (09022015). Collection method: clinical testing. Allele origin: germline.
Comment: This sequence change replaces threonine, which is neutral and polar, with alanine, which is neutral and non-polar, at codon 154 of the SCN3B protein (p.Thr154Ala). This variant is not present in population databases (gnomAD no frequency). This variant has not been reported in the literature in individuals affected with SCN3B-related conditions. An algorithm developed to predict the effect of missense changes on protein structure and function (PolyPhen-2) suggests that this variant is likely to be tolerated. In summary, the available evidence is currently insufficient to determine the role of this variant in disease. Therefore, it has been classified as a Variant of Uncertain Significance.